The following is an entry in ClinVar:

ClinVar aggregate classification (germline): Conflicting classifications of pathogenicity. Review status: criteria provided, conflicting classifications (1 of 4 stars). 3 submissions from 3 submitters: Uncertain significance (2); Likely benign (1). Last evaluated 2025-10-09.

Conditions:
Feingold syndrome type 1 (FGLDS1). Also called: MICROCEPHALY, MENTAL RETARDATION, AND TRACHEOESOPHAGEAL FISTULA SYNDROME; MICROCEPHALY-OCULO-DIGITO-ESOPHAGEAL-DUODENAL SYNDROME; OCULODIGITOESOPHAGODUODENAL SYNDROME; ODED SYNDROME; MICROCEPHALY AND DIGITAL ABNORMALITIES WITH NORMAL INTELLIGENCE. Identifiers: Orphanet 1305, Orphanet 391641, MedGen C4551774, MONDO:0008115, OMIM 164280.
Megalencephaly-polydactyly syndrome (MPAPA). Identifiers: MedGen C5935591, MONDO:0958279, OMIM 620748.

Allele frequency attached by ClinVar (database versions not stated): TOPMed 0.00001.
gnomAD v4.1: 8 of 1,614,048 alleles (0.0005%); highest among the groups gnomAD compares: Admixed American, 0.013%; no homozygotes.

Submissions (3):

Labcorp Genetics (formerly Invitae), Labcorp
Classification: Uncertain significance. Last evaluated: 2025-10-09. Review status: criteria provided, single submitter. Criteria: Invitae Variant Classification Sherloc (09022015). Collection method: clinical testing. Allele origin: germline.
Comment: This sequence change replaces arginine, which is basic and polar, with lysine, which is basic and polar, at codon 312 of the MYCN protein (p.Arg312Lys). This variant is present in population databases (rs200236475, gnomAD 0.01%). This variant has not been reported in the literature in individuals affected with MYCN-related conditions. ClinVar contains an entry for this variant (Variation ID: 377368). Invitae Evidence Modeling of protein sequence and biophysical properties (such as structural, functional, and spatial information, amino acid conservation, physicochemical variation, residue mobility, and thermodynamic stability) indicates that this missense variant is not expected to disrupt MYCN protein function with a negative predictive value of 95%. In summary, the available evidence is currently insufficient to determine the role of this variant in disease. Therefore, it has been classified as a Variant of Uncertain Significance.

Fulgent Genetics
Classification: Uncertain significance for Feingold syndrome type 1; Megalencephaly-polydactyly syndrome. Last evaluated: 2024-05-15. Review status: criteria provided, single submitter. Criteria: ACMG Guidelines, 2015. Collection method: clinical testing. Allele origin: germline.

Center for Pediatric Genomic Medicine, Children's Mercy Hospital and Clinics
Classification: Likely benign. Last evaluated: 2016-09-12. Review status: criteria provided, single submitter. Criteria: ACMG Guidelines, 2015. Collection method: clinical testing. Allele origin: germline.
ClinVar note: Converted during submission from Likely Benign to Likely benign.

NM_005378.6(MYCN):c.935G>A (p.Arg312Lys)

Gene: MYCN (MYCN proto-oncogene, bHLH transcription factor; plus strand). Cytogenetic location: 2p24.3.
Variant type: single nucleotide variant.
Coding change: c.935G>A on transcript NM_005378.6 (MANE Select); coding-DNA position 935, G replaced by A.
Protein change: p.Arg312Lys; replaces arginine 312 with lysine.
Molecular consequence: missense variant. On other transcripts: 3 prime UTR variant (1).
Genome position (GRCh38, 1-based): chr2:15,945,637, G>A. VCF-style: chr2-15945637-G-A. GRCh37 (hg19) VCF-style: chr2-16085759-G-A.
Other names: c.935G>A, p.Arg312Lys (NM_001293228.2); c.302G>A, p.Arg101Lys (NM_001293231.2); c.*870G>A (NM_001293233.2); short protein forms R312K, R101K.
Identifiers: ClinVar variation 377368 (VCV000377368.5), dbSNP rs200236475, ClinGen allele CA1538282.